The following is an entry in ClinVar:

ClinVar aggregate classification (germline): Pathogenic (1 of 4 stars; one submission).

Conditions:
MHC class II deficiency. Also called: Bare lymphocyte syndrome 2; BLS, TYPE II. Identifiers: Orphanet 572, MedGen C5447452, MONDO:0008855.

Submission:

Labcorp Genetics (formerly Invitae), Labcorp
Classification: Pathogenic for MHC class II deficiency. Last evaluated: 2023-05-11. Review status: criteria provided, single submitter. Criteria: Invitae Variant Classification Sherloc (09022015). Collection method: clinical testing. Allele origin: germline.
Comment: For these reasons, this variant has been classified as Pathogenic. This variant has not been reported in the literature in individuals affected with CIITA-related conditions. This variant is not present in population databases (gnomAD no frequency). This sequence change creates a premature translational stop signal (p.Glu815Glyfs*75) in the CIITA gene. It is expected to result in an absent or disrupted protein product. Loss-of-function variants in CIITA are known to be pathogenic (PMID: 8402893, 9099848, 26271388).

Literature cited by the submitters: PubMed 8402893; PubMed 9099848; PubMed 26271388.

NM_000246.4(CIITA):c.2444del (p.Glu815fs)

Gene: CIITA (class II major histocompatibility complex transactivator; plus strand). Cytogenetic location: 16p13.13.
Variant type: Deletion.
Coding change: c.2444del on transcript NM_000246.4 (MANE Select); coding-DNA position 2444, one base deleted (A; older notation c.2444delA).
Protein change: p.Glu815fs; shifts the reading frame from glutamic acid 815.
Molecular consequence: frameshift variant. On other transcripts: intron variant (1).
Genome position (GRCh38, 1-based): chr16:10,907,936, A deleted. VCF-style (leftmost placement, unchanged base first): chr16-10907935-GA-G. GRCh37 (hg19) VCF-style: chr16-11001792-GA-G.
Other names: c.2297del, p.Glu766fs (NM_001379331.1); c.2447del, p.Glu816fs (NM_001379332.1, NM_001286402.1); c.2444del, p.Glu815fs (NM_001379333.1); c.2375del, p.Glu792fs (NM_001379334.1); c.860-1047del (NM_001286403.2); c.2300del, p.Glu767fs (NM_001379330.1); short protein forms E767fs, E816fs, E766fs, E792fs, E815fs.
Identifiers: ClinVar variation 2961850 (VCV002961850.3), dbSNP rs2544496939, ClinGen allele CA2740093254.